The following is an entry in ClinVar:

NM_014727.3(KMT2B):c.7580T>G (p.Leu2527Arg)

Gene: KMT2B (lysine methyltransferase 2B; plus strand). Cytogenetic location: 19q13.12.
Variant type: single nucleotide variant.
Coding change: c.7580T>G on transcript NM_014727.3 (MANE Select); coding-DNA position 7580, T replaced by G.
Protein change: p.Leu2527Arg; replaces leucine 2527 with arginine.
Molecular consequence: missense variant.
Genome position (GRCh38, 1-based): chr19:35,737,665, T>G. VCF-style: chr19-35737665-T-G. GRCh37 (hg19) VCF-style: chr19-36228566-T-G.
Other names: short protein forms L2527R.
Identifiers: ClinVar variation 2572297 (VCV002572297.1), dbSNP rs2513368251, ClinGen allele CA405437809.
Genomic context (GRCh38, chr19:35,737,665, plus strand): 5'-ATATTCCTCCTTCCCCTGCTGCCACCTGCAGGAAGTGCACCTTTGACATGTTCAACTTCC[T>G]GGCCTCCCAGCACCGGGTGCTCCCTGAGGGGGCCACCTGTGATGAGGAAGAGGATGAGGT-3'
Protein context (NP_055542.1, residues 2517-2537): RKCTFDMFNF[Leu2527Arg]ASQHRVLPEG

ClinVar aggregate classification (germline): Uncertain significance (1 of 4 stars; one submission).

Submission:

Greenwood Genetic Center Diagnostic Laboratories, Greenwood Genetic Center
Classification: Uncertain significance. Last evaluated: 2023-06-26. Review status: criteria provided, single submitter. Criteria: ACMG Guidelines, 2015. Collection method: clinical testing. Allele origin: germline. Affected: yes.
Comment: PM2, PP2, PP3